The following is an entry in ClinVar:

NM_020751.3(COG6):c.852G>A (p.Ala284=)

Gene: COG6 (component of oligomeric golgi complex 6; plus strand). Cytogenetic location: 13q14.11.
Variant type: single nucleotide variant.
Coding change: c.852G>A on transcript NM_020751.3 (MANE Select); coding-DNA position 852, G replaced by A.
Protein change: p.Ala284=; no amino-acid change (alanine 284 retained).
Molecular consequence: synonymous variant. On other transcripts: non-coding transcript variant (1).
Genome position (GRCh38, 1-based): chr13:39,687,566, G>A. VCF-style: chr13-39687566-G-A. GRCh37 (hg19) VCF-style: chr13-40261703-G-A.
Other names: c.852G>A, p.Ala284= (NM_001145079.2).
Identifiers: ClinVar variation 3031640 (VCV003031640.2), dbSNP rs767076532, ClinGen allele CA6958462.
Genomic context (GRCh38, chr13:39,687,566, plus strand): 5'-TACCTTAGATGAATTTGGAACAGCCAGAAGAAGTACAGTTGTTCGTGGATTTATTGATGC[G>A]CTCACAAGAGGGGGCCCCGGAGGTACACCTAGACCAATTGAAATGCATTCTCATGACCCT-3'
Protein context (NP_065802.1, residues 274-294): RSTVVRGFID[Ala284=]LTRGGPGGTP

ClinVar aggregate classification (germline): Likely benign (0 of 4 stars; one submission).

Conditions:
COG6-related disorder.

Allele frequency attached by ClinVar (database versions not stated): gnomAD 0.00002; ExAC 0.00009.
gnomAD v4.1: 72 of 1,612,942 alleles (0.0045%); highest among the groups gnomAD compares: South Asian, 0.071%; no homozygotes.

Submission:

PreventionGenetics, part of Exact Sciences
Classification: Likely benign for COG6-related condition. Last evaluated: 2021-05-12. Review status: no assertion criteria provided. Collection method: clinical testing. Allele origin: germline.
Comment: This variant is classified as likely benign based on ACMG/AMP sequence variant interpretation guidelines (Richards et al. 2015 PMID: 25741868, with internal and published modifications).